The following is an entry in ClinVar:

ClinVar aggregate classification (germline): Pathogenic (1 of 4 stars; one submission).

Allele frequency attached by ClinVar (database versions not stated): TOPMed below 0.00001; gnomAD 0.00001; gnomAD exomes 0.00001.
gnomAD v4.1: 15 of 1,613,820 alleles (0.00093%); highest among the groups gnomAD compares: Non-Finnish European, 0.0013%; no homozygotes.

Submission:

GeneDx
Classification: Pathogenic. Last evaluated: 2017-10-13. Review status: criteria provided, single submitter. Criteria: GeneDx Variant Classification (06012015). Collection method: clinical testing. Allele origin: germline. Affected: yes.
Comment: The G1143X variant in the FLG gene has not been reported previously as a pathogenic variant nor as a benign variant, to our knowledge. This variant is predicted to cause loss of normal protein function through protein truncation. The G1143X variant is not observed in large population cohorts (Lek et al., 2016). We interpret G1143X as a pathogenic variant.

NM_002016.2(FLG):c.3427G>T (p.Gly1143Ter)

Genes: CCDST (cervical cancer associated DHX9 suppressive transcript; plus strand), FLG (filaggrin; minus strand). Cytogenetic location: 1q21.3.
Variant type: single nucleotide variant.
Coding change: c.3427G>T on transcript NM_002016.2 (MANE Select); coding-DNA position 3427, G replaced by T.
Protein change: p.Gly1143Ter; replaces glycine 1143 with a stop codon.
Molecular consequence: nonsense.
Genome position (GRCh38, 1-based): chr1:152,311,459, C>A on the plus strand (G>T on the coding strand, the complement: FLG is on the minus strand). VCF-style: chr1-152311459-C-A. GRCh37 (hg19) VCF-style: chr1-152283935-C-A.
Other names: short protein forms G1143*.
Identifiers: ClinVar variation 452639 (VCV000452639.2), dbSNP rs1258394093, ClinGen allele CA342083424.